The following is an entry in ClinVar:

NM_001330260.2(SCN8A):c.2415A>G (p.Ile805Met)

Gene: SCN8A (sodium voltage-gated channel alpha subunit 8; plus strand). Cytogenetic location: 12q13.13.
Variant type: single nucleotide variant.
Coding change: c.2415A>G on transcript NM_001330260.2 (MANE Select); coding-DNA position 2415, A replaced by G.
Protein change: p.Ile805Met; replaces isoleucine 805 with methionine.
Molecular consequence: missense variant.
Genome position (GRCh38, 1-based): chr12:51,762,547, A>G. VCF-style: chr12-51762547-A-G. GRCh37 (hg19) VCF-style: chr12-52156331-A-G.
Other names: c.2415A>G, p.Ile805Met (NM_001177984.3, NM_001369788.1, NM_014191.4); short protein forms I805M.
Identifiers: ClinVar variation 1377930 (VCV001377930.8), dbSNP rs1280217170, ClinGen allele CA384883394.
Genomic context (GRCh38, chr12:51,762,547, plus strand): 5'-GCATCCCCCTATTTAGGTTTTCACTGGAATTTTCACAGCGGAAATGTTCCTGAAGCTCAT[A>G]GCCATGGATCCCTACTATTATTTCCAAGAAGGTTGGAACATTTTTGACGGATTTATTGTC-3'
Protein context (NP_001317189.1, residues 795-815): IFTAEMFLKL[Ile805Met]AMDPYYYFQE

ClinVar aggregate classification (germline): Uncertain significance. Review status: criteria provided, multiple submitters, no conflicts (2 of 4 stars). 2 submissions from 2 submitters: Uncertain significance (2). Last evaluated 2023-04-14.

Conditions:
Early-infantile DEE. Also called: Ohtahara syndrome; Early infantile epileptic encephalopathy; Early infantile epileptic encephalopathy with suppression bursts. Identifiers: Orphanet 1934, MedGen C0393706, MONDO:0800491.

Allele frequency attached by ClinVar (database versions not stated): gnomAD exomes 0.00001.

Submissions (2):

Labcorp Genetics (formerly Invitae), Labcorp
Classification: Uncertain significance for Early-infantile DEE. Last evaluated: 2023-04-14. Review status: criteria provided, single submitter. Criteria: Invitae Variant Classification Sherloc (09022015). Collection method: clinical testing. Allele origin: germline.
Comment: Advanced modeling of protein sequence and biophysical properties (such as structural, functional, and spatial information, amino acid conservation, physicochemical variation, residue mobility, and thermodynamic stability) performed at Invitae indicates that this missense variant is not expected to disrupt SCN8A protein function. In summary, the available evidence is currently insufficient to determine the role of this variant in disease. Therefore, it has been classified as a Variant of Uncertain Significance. ClinVar contains an entry for this variant (Variation ID: 1377930). This sequence change replaces isoleucine, which is neutral and non-polar, with methionine, which is neutral and non-polar, at codon 805 of the SCN8A protein (p.Ile805Met). This variant is present in population databases (no rsID available, gnomAD 0.009%). This variant has not been reported in the literature in individuals affected with SCN8A-related conditions.

GeneDx
Classification: Uncertain significance. Last evaluated: 2022-01-28. Review status: criteria provided, single submitter. Criteria: GeneDx Variant Classification Process June 2021. Collection method: clinical testing. Allele origin: germline. Affected: yes.
Comment: Previously reported in an individual with a neurological disorder, however detailed phenotypic information and segregation were not reported (Butler et al., 2017); In silico analysis supports that this missense variant has a deleterious effect on protein structure/function; Missense variants in this gene are often considered pathogenic (HGMD); This substitution is predicted to be within the intracellular loop between the S2 and S3 transmembrane segments of the second homologous domain.; This variant is associated with the following publications: (PMID: 27875746)